The following is an entry in ClinVar:

ClinVar aggregate classification (germline): Uncertain significance. Review status: criteria provided, multiple submitters, no conflicts (2 of 4 stars). 2 submissions from 2 submitters: Uncertain significance (2). Last evaluated 2025-06-19.

Conditions:
Epidermolysis bullosa simplex 5B, with muscular dystrophy (EBS5B). Also called: EPIDERMOLYSIS BULLOSA SIMPLEX AND LIMB-GIRDLE MUSCULAR DYSTROPHY; Epidermolysis bullosa simplex with muscular dystrophy. Identifiers: Orphanet 257, MedGen C2931072, MONDO:0009181, OMIM 226670.
Epidermolysis bullosa simplex, Ogna type (EBS5A). Also called: EPIDERMOLYSIS BULLOSA SIMPLEX 5A, OGNA TYPE; Pidermolysis bullosa simplex 5A, Ogna type. Identifiers: Orphanet 79401, MedGen C0432317, MONDO:0007555, OMIM 131950.
Epidermolysis bullosa simplex with nail dystrophy (EBS5D). Identifiers: MedGen C4225309, MONDO:0014661, OMIM 616487.
Autosomal recessive limb-girdle muscular dystrophy type 2Q (LGMDR17). Also called: MUSCULAR DYSTROPHY, LIMB-GIRDLE, AUTOSOMAL RECESSIVE 17. Identifiers: Orphanet 254361, MedGen C3150989, MONDO:0013390, OMIM 613723.
Epidermolysis bullosa simplex 5C, with pyloric atresia (EBS5C). Also called: PLEC-Related Epidermolysis Bullosa with Pyloric Atresia; Epidermolysis bullosa simplex with pyloric atresia; PLEC1-Related Epidermolysis Bullosa with Pyloric Atresia. Identifiers: Orphanet 158684, MedGen C2677349, MONDO:0012807, OMIM 612138.

Submissions (2):

Labcorp Genetics (formerly Invitae), Labcorp
Classification: Uncertain significance for Autosomal recessive limb-girdle muscular dystrophy type 2Q; Epidermolysis bullosa simplex, Ogna type; Epidermolysis bullosa simplex with nail dystrophy; Epidermolysis bullosa simplex 5C, with pyloric atresia; Epidermolysis bullosa simplex 5B, with muscular dystrophy. Last evaluated: 2025-06-19. Review status: criteria provided, single submitter. Criteria: Invitae Variant Classification Sherloc (09022015). Collection method: clinical testing. Allele origin: germline.
Comment: This sequence change replaces leucine, which is neutral and non-polar, with valine, which is neutral and non-polar, at codon 2921 of the PLEC protein (p.Leu2921Val). This variant is not present in population databases (gnomAD no frequency). This variant has not been reported in the literature in individuals affected with PLEC-related conditions. An algorithm developed to predict the effect of missense changes on protein structure and function (PolyPhen-2) suggests that this variant is likely to be disruptive. In summary, the available evidence is currently insufficient to determine the role of this variant in disease. Therefore, it has been classified as a Variant of Uncertain Significance.

Revvity Omics, Revvity
Classification: Uncertain significance. Last evaluated: 2023-08-16. Review status: criteria provided, single submitter. Criteria: ACMG Guidelines, 2015. Collection method: clinical testing. Allele origin: germline.

NM_201384.3(PLEC):c.8680C>G (p.Leu2894Val)

Gene: PLEC (plectin; minus strand). Cytogenetic location: 8q24.3.
Variant type: single nucleotide variant.
Coding change: c.8680C>G on transcript NM_201384.3 (MANE Select); coding-DNA position 8680, C replaced by G.
Protein change: p.Leu2894Val; replaces leucine 2894 with valine.
Molecular consequence: missense variant.
Genome position (GRCh38, 1-based): chr8:143,921,141, G>C on the plus strand (C>G on the coding strand, the complement: PLEC is on the minus strand). VCF-style: chr8-143921141-G-C. GRCh37 (hg19) VCF-style: chr8-144995309-G-C.
Other names: c.8761C>G, p.Leu2921Val (NM_000445.5); c.5380C>G, p.Leu1794Val (NM_001410941.1); c.8638C>G, p.Leu2880Val (NM_201378.4); c.8614C>G, p.Leu2872Val (NM_201379.3); c.9091C>G, p.Leu3031Val (NM_201380.4); c.8584C>G, p.Leu2862Val (NM_201381.3); c.8680C>G, p.Leu2894Val (NM_201382.4); c.8692C>G, p.Leu2898Val (NM_201383.3); short protein forms L1794V, L2862V, L2872V, L2880V, L2894V, L2898V, L2921V, L3031V.
Identifiers: ClinVar variation 4079741 (VCV004079741.2).